The following is an entry in ClinVar:

ClinVar aggregate classification (germline): Benign. Review status: criteria provided, multiple submitters, no conflicts (2 of 4 stars). 15 submissions from 13 submitters: Benign (10). 5 of the submissions do not count toward it. Last evaluated 2026-02-03.

Conditions:
Optic atrophy 12. Also called: Optic Atrophy Type 12 (OPA12). Identifiers: MedGen C5436534, MONDO:0033549, OMIM 618977.
Spastic ataxia 5. Also called: Spastic Ataxia Type 5 (SPAX5). Identifiers: Orphanet 313772, MedGen C3280977, MONDO:0013776, OMIM 614487.
Spinocerebellar ataxia type 28 (SCA28). Also called: Spinocerebellar Ataxia Type 28 (SCA28). Identifiers: Orphanet 101109, MedGen C1853249, MONDO:0012450, OMIM 610246.

Allele frequency attached by ClinVar (database versions not stated): 1000 Genomes Project 30x 0.61805; 1000 Genomes Project 0.61961; TOPMed 0.65429; gnomAD 0.67671 and 0.68008; ESP Exome Variant Server 0.68484; gnomAD exomes 0.71447 and 0.76439; ExAC 0.71766.
gnomAD v4.1: 1,218,234 of 1,611,922 alleles (76%); highest among the groups gnomAD compares: Non-Finnish European, 78%; 465,812 homozygotes.

Submissions (15):

Labcorp Genetics (formerly Invitae), Labcorp
Classification: Benign. Last evaluated: 2026-02-03. Review status: criteria provided, single submitter. Criteria: Invitae Variant Classification Sherloc (09022015). Collection method: clinical testing. Allele origin: germline.

Blueprint Genetics
Classification: Benign. Last evaluated: 2024-11-28. Review status: criteria provided, single submitter. Criteria: ACMG Guidelines, 2015. Collection method: clinical testing. Allele origin: germline.

Genome-Nilou Lab
Classification: Benign for Optic atrophy 12. Last evaluated: 2021-07-14. Review status: criteria provided, single submitter. Criteria: ACMG Guidelines, 2015. Collection method: clinical testing. Allele origin: germline. Affected: no.

Genome-Nilou Lab
Classification: Benign for Spastic ataxia 5. Last evaluated: 2021-07-14. Review status: criteria provided, single submitter. Criteria: ACMG Guidelines, 2015. Collection method: clinical testing. Allele origin: germline. Affected: no.

Genome-Nilou Lab
Classification: Benign for Spinocerebellar ataxia type 28. Last evaluated: 2021-07-14. Review status: criteria provided, single submitter. Criteria: ACMG Guidelines, 2015. Collection method: clinical testing. Allele origin: germline. Affected: no.

Illumina Laboratory Services, Illumina
Classification: Benign for Spinocerebellar ataxia type 28. Last evaluated: 2018-01-13. Review status: criteria provided, single submitter. Criteria: ICSL Variant Classification Criteria 13 December 2019. Collection method: clinical testing. Allele origin: germline.
Comment: This variant was observed in the ICSL laboratory as part of a predisposition screen in an ostensibly healthy population. It had not been previously curated by ICSL or reported in the Human Gene Mutation Database (HGMD: prior to June 1st, 2018), and was therefore a candidate for classification through an automated scoring system. Utilizing variant allele frequency, disease prevalence and penetrance estimates, and inheritance mode, an automated score was calculated to assess if this variant is too frequent to cause the disease. Based on the score and internal cut-off values, a variant classified as benign is not then subjected to further curation. The score for this variant resulted in a classification of benign for this disease.

Athena Diagnostics
Classification: Benign. Last evaluated: 2017-07-12. Review status: criteria provided, single submitter. Criteria: Athena Diagnostics Criteria. Collection method: clinical testing. Allele origin: germline.

Eurofins Ntd Llc (ga)
Classification: Benign. Last evaluated: 2015-05-21. Review status: criteria provided, single submitter. Criteria: EGL Classification Definitions 2015. Collection method: clinical testing. Allele origin: germline. Observed: 19 variant alleles, 9 heterozygotes, 10 homozygotes.

GeneDx
Classification: Benign. Last evaluated: 2013-09-09. Review status: criteria provided, single submitter. Criteria: GeneDx Variant Classification (06012015). Collection method: clinical testing. Allele origin: germline. Affected: yes.
Comment: This variant is considered likely benign or benign based on one or more of the following criteria: it is a conservative change, it occurs at a poorly conserved position in the protein, it is predicted to be benign by multiple in silico algorithms, and/or has population frequency not consistent with disease.

Breakthrough Genomics
Classification: Benign. Review status: criteria provided, single submitter. Criteria: ACMG Guidelines, 2015. Collection method: not provided. Allele origin: germline. Inheritance: Autosomal recessive inheritance. Affected: yes.

Mayo Clinic Laboratories, Mayo Clinic
Classification: Benign. Last evaluated: 2016-02-11. Review status: no assertion criteria provided. Collection method: clinical testing. Allele origin: unknown. Not counted in ClinVar's aggregate classification.

Clinical Genetics DNA and cytogenetics Diagnostics Lab, Erasmus MC, Erasmus Medical Center
Classification: Benign. Review status: no assertion criteria provided. Collection method: clinical testing. Allele origin: germline. Affected: yes. Study: VKGL Data-share Consensus. Not counted in ClinVar's aggregate classification.

Diagnostic Laboratory, Department of Genetics, University Medical Center Groningen
Classification: Benign. Review status: no assertion criteria provided. Collection method: clinical testing. Allele origin: germline. Affected: yes. Study: VKGL Data-share Consensus. Not counted in ClinVar's aggregate classification.

Genome Diagnostics Laboratory, University Medical Center Utrecht
Classification: Benign. Review status: no assertion criteria provided. Collection method: clinical testing. Allele origin: germline. Affected: yes. Study: VKGL Data-share Consensus. Not counted in ClinVar's aggregate classification.

Joint Genome Diagnostic Labs from Nijmegen and Maastricht, Radboudumc and MUMC+
Classification: Benign. Review status: no assertion criteria provided. Collection method: clinical testing. Allele origin: germline. Affected: yes. Study: VKGL Data-share Consensus. Not counted in ClinVar's aggregate classification.

NM_006796.3(AFG3L2):c.752+6C>T

Gene: AFG3L2 (AFG3 like matrix AAA peptidase subunit 2; minus strand). Cytogenetic location: 18p11.21.
Variant type: single nucleotide variant.
Coding change: c.752+6C>T on transcript NM_006796.3 (MANE Select); 6 bases into the intron after coding-DNA position 752, C replaced by T.
Molecular consequence: intron variant.
Genome position (GRCh38, 1-based): chr18:12,359,921, G>A on the plus strand (C>T on the coding strand, the complement: AFG3L2 is on the minus strand). VCF-style: chr18-12359921-G-A. GRCh37 (hg19) VCF-style: chr18-12359920-G-A.
Identifiers: ClinVar variation 136312 (VCV000136312.29), dbSNP rs8097342, ClinGen allele CA303057.